The following is an entry in ClinVar:

ClinVar aggregate classification (germline): Pathogenic/Likely pathogenic. Review status: criteria provided, multiple submitters, no conflicts (2 of 4 stars). 5 submissions from 5 submitters: Pathogenic (2); Likely pathogenic (3). Last evaluated 2025-03-21.

Conditions:
Maple syrup urine disease type 1A (MSUD1A). Also called: MSUD type 1A. Identifiers: MedGen C1855369, MONDO:0023691, OMIM 248600.
Maple syrup urine disease (MSUD). Identifiers: Orphanet 511, MedGen C0024776, MeSH D008375, MONDO:0009563. Disease mechanism: loss of function.

Allele frequency attached by ClinVar (database versions not stated): gnomAD 0.00003; TOPMed 0.00003; gnomAD exomes 0.00003; ExAC 0.00001.
gnomAD v4.1: 48 of 1,613,886 alleles (0.003%); highest among the groups gnomAD compares: Non-Finnish European, 0.0039%; no homozygotes.

Submissions (5):

Natera, Inc.
Classification: Likely pathogenic for Maple syrup urine disease type 1A. Last evaluated: 2025-03-21. Review status: criteria provided, single submitter. Criteria: Natera Variant Classification Schema (03/2026). Collection method: clinical testing. Allele origin: germline.
Comment: The c.370C>T variant in BCKDHA is a missense variant predicted to cause substitution of arginine to tryptophan at amino acid 124. This variant is rare in the general population with a frequency below the threshold expected for the associated phenotype(s). This variant has been observed in one or more individuals affected with the associated recessive disease, as either homozygous or compound heterozygous with a second variant (PMID: 31980395). Computational prediction algorithms indicate this variant is likely to affect gene or protein function. Given the available evidence, this variant is classified as Likely Pathogenic.

Baylor Genetics
Classification: Pathogenic for Maple syrup urine disease type 1A. Last evaluated: 2024-02-26. Review status: criteria provided, single submitter. Criteria: ACMG Guidelines, 2015. Collection method: clinical testing. Allele origin: unknown.

Labcorp Genetics (formerly Invitae), Labcorp
Classification: Pathogenic for Maple syrup urine disease. Last evaluated: 2024-01-04. Review status: criteria provided, single submitter. Criteria: Invitae Variant Classification Sherloc (09022015). Collection method: clinical testing. Allele origin: germline.
Comment: This sequence change replaces arginine, which is basic and polar, with tryptophan, which is neutral and slightly polar, at codon 124 of the BCKDHA protein (p.Arg124Trp). This variant is present in population databases (rs398123499, gnomAD 0.005%). This missense change has been observed in individual(s) with maple syrup urine disease (PMID: 31980395; Invitae). In at least one individual the data is consistent with being in trans (on the opposite chromosome) from a pathogenic variant. ClinVar contains an entry for this variant (Variation ID: 93356). Advanced modeling of protein sequence and biophysical properties (such as structural, functional, and spatial information, amino acid conservation, physicochemical variation, residue mobility, and thermodynamic stability) performed at Invitae indicates that this missense variant is expected to disrupt BCKDHA protein function with a positive predictive value of 80%. For these reasons, this variant has been classified as Pathogenic.

Fulgent Genetics
Classification: Likely pathogenic for Maple syrup urine disease type 1A. Last evaluated: 2021-07-23. Review status: criteria provided, single submitter. Criteria: ACMG Guidelines, 2015. Collection method: clinical testing. Allele origin: unknown.

Eurofins Ntd Llc (ga)
Classification: Likely pathogenic. Last evaluated: 2013-09-03. Review status: criteria provided, single submitter. Criteria: EGL Classification Definitions. Collection method: clinical testing. Allele origin: germline. Observed: 1 variant allele, 1 heterozygote.

Literature cited by the submitters: PubMed 31980395 (cited by Natera, Inc. and Labcorp Genetics (formerly Invitae), Labcorp).

NM_000709.4(BCKDHA):c.370C>T (p.Arg124Trp)

Gene: BCKDHA (branched chain keto acid dehydrogenase E1 subunit alpha; plus strand). Cytogenetic location: 19q13.2.
Variant type: single nucleotide variant.
Coding change: c.370C>T on transcript NM_000709.4 (MANE Select); coding-DNA position 370, C replaced by T.
Protein change: p.Arg124Trp; replaces arginine 124 with tryptophan.
Molecular consequence: missense variant.
Genome position (GRCh38, 1-based): chr19:41,411,004, C>T. VCF-style: chr19-41411004-C-T. GRCh37 (hg19) VCF-style: chr19-41916909-C-T.
Other names: c.370C>T, p.Arg124Trp (NM_001164783.2); short protein forms R124W.
Identifiers: ClinVar variation 93356 (VCV000093356.15), dbSNP rs398123499, ClinGen allele CA221198.